The following is an entry in ClinVar:

ClinVar aggregate classification (germline): Uncertain significance (1 of 4 stars; one submission).

Submission:

GeneDx
Classification: Uncertain significance. Last evaluated: 2026-02-26. Review status: criteria provided, single submitter. Criteria: GeneDx Variant Classification Process June 2021. Collection method: clinical testing. Allele origin: germline.
Comment: Not observed at significant frequency in large population cohorts (gnomAD); In silico analysis supports that this missense variant has a deleterious effect on protein structure/function; Has not been previously published as pathogenic or benign to our knowledge

NM_015874.6(RBPJ):c.527T>A (p.Leu176Gln)

Gene: RBPJ (recombination signal binding protein for immunoglobulin kappa J region; plus strand). Cytogenetic location: 4p15.2.
Variant type: single nucleotide variant.
Coding change: c.527T>A on transcript NM_015874.6 (MANE Select); coding-DNA position 527, T replaced by A.
Protein change: p.Leu176Gln; replaces leucine 176 with glutamine.
Molecular consequence: missense variant.
Genome position (GRCh38, 1-based): chr4:26,424,372, T>A. VCF-style: chr4-26424372-T-A. GRCh37 (hg19) VCF-style: chr4-26425994-T-A.
Other names: c.461T>A, p.Leu154Gln (NM_001363577.2, NM_203283.5); c.566T>A, p.Leu189Gln (NM_001374400.1, NM_001379408.1, NM_005349.4); c.524T>A, p.Leu175Gln (NM_001374401.1, NM_001374402.1, NM_001374403.1 and 3 more transcripts); c.521T>A, p.Leu174Gln (NM_001379409.1); short protein forms L154Q, L176Q, L174Q, L175Q, L189Q.
Identifiers: ClinVar variation 5008106 (VCV005008106.1).